The following is an entry in ClinVar:

NM_001079866.2(BCS1L):c.320+10G>A

Gene: BCS1L (BCS1 ubiquinol-cytochrome c reductase complex chaperone; plus strand). Cytogenetic location: 2q35.
Variant type: single nucleotide variant.
Coding change: c.320+10G>A on transcript NM_001079866.2 (MANE Select); 10 bases into the intron after coding-DNA position 320, G replaced by A.
Molecular consequence: intron variant.
Genome position (GRCh38, 1-based): chr2:218,661,317, G>A. VCF-style: chr2-218661317-G-A. GRCh37 (hg19) VCF-style: chr2-219526040-G-A.
Other names: p.?; c.320+10G>A (NM_001374085.1, NM_001371446.1, NM_001371450.1 and 11 more transcripts); c.-157+10G>A (NM_001374086.1, NM_001371454.1, NM_001371453.1 and 2 more transcripts); c.-40-89G>A (NM_001371451.1, NM_001318836.2); c.-41-442G>A (NM_001371452.1).
Identifiers: ClinVar variation 2966477 (VCV002966477.5), dbSNP rs1939393277, ClinGen allele CA1328862076.
Genomic context (GRCh38, chr2:218,661,317, plus strand): 5'-CATTTCCACTAAGTTTGAATTTGTCCCCAGCCCTGGAAACCATTTTATCTGGTAAGGTGG[G>A]GAGCTAGGGAGGGCTGTGAGAGTAGAAAAGAATGATGGGAGCTGGGTTTGACCCATTCAC-3'

ClinVar aggregate classification (germline): Likely benign. Review status: criteria provided, multiple submitters, no conflicts (2 of 4 stars). 3 submissions from 3 submitters: Likely benign (2). 1 of the submissions does not count toward it. Last evaluated 2025-07-10.

Conditions:
GRACILE syndrome (FLNMS). Also called: FELLMAN SYNDROME; FINNISH LETHAL NEONATAL METABOLIC SYNDROME. Identifiers: Orphanet 53693, MedGen C1864002, MONDO:0011308, OMIM 603358.

Allele frequency attached by ClinVar (database versions not stated): gnomAD exomes below 0.00001.
gnomAD v4.1: 1 of 1,614,216 alleles (0.000062%); highest among the groups gnomAD compares: Non-Finnish European, 0.000085%; no homozygotes.

Submissions (3):

Mayo Clinic Laboratories, Mayo Clinic
Classification: Likely benign. Last evaluated: 2025-07-10. Review status: criteria provided, single submitter. Criteria: ACMG Guidelines, 2015. Collection method: clinical testing. Allele origin: germline. Observed: 1 variant allele.
Comment: BP4, BP7

Labcorp Genetics (formerly Invitae), Labcorp
Classification: Likely benign. Last evaluated: 2023-10-04. Review status: criteria provided, single submitter. Criteria: Invitae Variant Classification Sherloc (09022015). Collection method: clinical testing. Allele origin: germline.

Natera, Inc.
Classification: Uncertain significance for GRACILE syndrome. Last evaluated: 2025-02-19. Review status: no assertion criteria provided. Collection method: clinical testing. Allele origin: germline. Not counted in ClinVar's aggregate classification.